The following is an entry in ClinVar:

ClinVar aggregate classification (germline): Uncertain significance (1 of 4 stars; one submission).

gnomAD v4.1: 4 of 1,614,174 alleles (0.00025%); highest among the groups gnomAD compares: Admixed American, 0.0067%; no homozygotes.

Submission:

GeneDx
Classification: Uncertain significance. Last evaluated: 2024-02-21. Review status: criteria provided, single submitter. Criteria: GeneDx Variant Classification Process June 2021. Collection method: clinical testing. Allele origin: germline. Affected: yes.
Comment: In silico analysis supports that this missense variant has a deleterious effect on protein structure/function; Has not been previously published as pathogenic or benign to our knowledge

NM_002472.3(MYH8):c.1759G>A (p.Gly587Ser)

Genes: MYH8 (myosin heavy chain 8; minus strand), MYHAS (myosin heavy chain gene cluster antisense RNA; plus strand). Cytogenetic location: 17p13.1.
Variant type: single nucleotide variant.
Coding change: c.1759G>A on transcript NM_002472.3 (MANE Select); coding-DNA position 1759, G replaced by A.
Protein change: p.Gly587Ser; replaces glycine 587 with serine.
Molecular consequence: missense variant.
Genome position (GRCh38, 1-based): chr17:10,409,417, C>T on the plus strand (G>A on the coding strand, the complement: MYH8 is on the minus strand). VCF-style: chr17-10409417-C-T. GRCh37 (hg19) VCF-style: chr17-10312734-C-T.
Other names: short protein forms G587S.
Identifiers: ClinVar variation 3369575 (VCV003369575.1).